The following is an entry in ClinVar:

NM_000718.4(CACNA1B):c.4674+1G>C

Gene: CACNA1B (calcium voltage-gated channel subunit alpha1 B; plus strand). Cytogenetic location: 9q34.3.
Variant type: single nucleotide variant.
Coding change: c.4674+1G>C on transcript NM_000718.4 (MANE Select); the canonical splice donor site of the intron after coding-DNA position 4674, G replaced by C.
Molecular consequence: splice donor variant.
Genome position (GRCh38, 1-based): chr9:138,069,764, G>C. VCF-style: chr9-138069764-G-C. GRCh37 (hg19) VCF-style: chr9-140964216-G-C.
Other names: c.4674+1G>C (NM_001243812.2).
Identifiers: ClinVar variation 2737324 (VCV002737324.3), dbSNP rs1960053597, ClinGen allele CA375817214.

ClinVar aggregate classification (germline): Likely pathogenic (1 of 4 stars; one submission).

Submission:

Labcorp Genetics (formerly Invitae), Labcorp
Classification: Likely pathogenic. Last evaluated: 2023-07-07. Review status: criteria provided, single submitter. Criteria: Invitae Variant Classification Sherloc (09022015). Collection method: clinical testing. Allele origin: germline.
Comment: This sequence change affects a donor splice site in intron 32 of the CACNA1B gene. It is expected to disrupt RNA splicing. Variants that disrupt the donor or acceptor splice site typically lead to a loss of protein function (PMID: 16199547), and loss-of-function variants in CACNA1B are known to be pathogenic (PMID: 30982612). In summary, the currently available evidence indicates that the variant is pathogenic, but additional data are needed to prove that conclusively. Therefore, this variant has been classified as Likely Pathogenic. This variant has not been reported in the literature in individuals affected with CACNA1B-related conditions. This variant is not present in population databases (gnomAD no frequency).

Literature cited by the submitters: PubMed 16199547; PubMed 30982612.